The following is an entry in ClinVar:

ClinVar aggregate classification (germline): Uncertain significance (1 of 4 stars; one submission).

Submission:

Labcorp Genetics (formerly Invitae), Labcorp
Classification: Uncertain significance. Last evaluated: 2023-01-15. Review status: criteria provided, single submitter. Criteria: Invitae Variant Classification Sherloc (09022015). Collection method: clinical testing. Allele origin: germline.
Comment: In summary, the available evidence is currently insufficient to determine the role of this variant in disease. Therefore, it has been classified as a Variant of Uncertain Significance. Algorithms developed to predict the effect of sequence changes on RNA splicing suggest that this variant may disrupt the consensus splice site. This variant has not been reported in the literature in individuals affected with ANKZF1-related conditions. This variant is present in population databases (rs747408531, gnomAD 0.003%). This sequence change falls in intron 6 of the ANKZF1 gene. It does not directly change the encoded amino acid sequence of the ANKZF1 protein.

NM_018089.3(ANKZF1):c.672-12_672-11del

Gene: ANKZF1 (ankyrin repeat and zinc finger peptidyl tRNA hydrolase 1; plus strand). Cytogenetic location: 2q35.
Variant type: Microsatellite.
Coding change: c.672-12_672-11del on transcript NM_018089.3 (MANE Select); 12 bases into the intron before coding-DNA position 672 through 11 bases into the intron before coding-DNA position 672, 2 bases deleted (TG; older notation c.672-12_672-11delTG).
Molecular consequence: intron variant.
Genome position (GRCh38, 1-based): chr2:219,233,274-219,233,275, TG deleted; deleting any 2 consecutive bases within chr2:219,233,272-219,233,275 gives the same sequence; the c. name uses the placement nearest the transcript's 3' end. VCF-style (leftmost placement, unchanged base first): chr2-219233271-CTG-C. GRCh37 (hg19) VCF-style: chr2-220097993-CTG-C.
Other names: c.672-12_672-11del (NM_001042410.2); c.42-12_42-11del (NM_001282792.2).
Identifiers: ClinVar variation 2995327 (VCV002995327.3), dbSNP rs747408531, ClinGen allele CA2120826.